The following is an entry in ClinVar:

ClinVar aggregate classification (germline): Pathogenic (1 of 4 stars; one submission).

Conditions:
Mosaic variegated aneuploidy syndrome 1 (MVA1). Also called: Warburton-Anyane-Yeboa syndrome. Identifiers: Orphanet 1052, MedGen C1850343, MONDO:0009759, OMIM 257300.

Submission:

Labcorp Genetics (formerly Invitae), Labcorp
Classification: Pathogenic for Mosaic variegated aneuploidy syndrome 1. Last evaluated: 2023-03-19. Review status: criteria provided, single submitter. Criteria: Invitae Variant Classification Sherloc (09022015). Collection method: clinical testing. Allele origin: germline.
Comment: This variant has not been reported in the literature in individuals affected with BUB1B-related conditions. This variant is not present in population databases (gnomAD no frequency). This sequence change creates a premature translational stop signal (p.Arg104Glufs*3) in the BUB1B gene. It is expected to result in an absent or disrupted protein product. Loss-of-function variants in BUB1B are known to be pathogenic (PMID: 15475955, 21190457). ClinVar contains an entry for this variant (Variation ID: 1946449). For these reasons, this variant has been classified as Pathogenic.

Literature cited by the submitters: PubMed 15475955; PubMed 21190457.

NM_001211.6(BUB1B):c.310del (p.Arg104fs)

Gene: BUB1B (BUB1 mitotic checkpoint serine/threonine kinase B; plus strand). Cytogenetic location: 15q15.1.
Variant type: Deletion.
Coding change: c.310del on transcript NM_001211.6 (MANE Select); coding-DNA position 310, one base deleted (A; older notation c.310delA).
Protein change: p.Arg104fs; shifts the reading frame from arginine 104.
Molecular consequence: frameshift variant.
Genome position (GRCh38, 1-based): chr15:40,170,607, A deleted; the last of 3 consecutive A bases (chr15:40,170,605-40,170,607); deleting any one gives the same sequence. VCF-style (leftmost placement, unchanged base first): chr15-40170604-GA-G. GRCh37 (hg19) VCF-style: chr15-40462805-GA-G.
Other names: short protein forms R104fs.
Identifiers: ClinVar variation 1946449 (VCV001946449.5), dbSNP rs2542516819, ClinGen allele CA2580089339.